The following is an entry in ClinVar:

ClinVar aggregate classification (germline): Uncertain significance (1 of 4 stars; one submission).

Conditions:
Long QT syndrome (LQTS). Identifiers: MedGen C0023976, MeSH D008133, MONDO:0002442. Disease mechanism: loss of function. Inheritance: Various modes of inheritance.

Submission:

Labcorp Genetics (formerly Invitae), Labcorp
Classification: Uncertain significance for Long QT syndrome. Last evaluated: 2022-06-03. Review status: criteria provided, single submitter. Criteria: Invitae Variant Classification Sherloc (09022015). Collection method: clinical testing. Allele origin: germline.
Comment: In summary, the available evidence is currently insufficient to determine the role of this variant in disease. Therefore, it has been classified as a Variant of Uncertain Significance. This variant has not been reported in the literature in individuals affected with CACNA1C-related conditions. This variant is not present in population databases (gnomAD no frequency). This variant, c.2318_2323dup, results in the insertion of 2 amino acid(s) of the CACNA1C protein (p.Lys773_Glu774dup), but otherwise preserves the integrity of the reading frame.

NM_000719.7(CACNA1C):c.2312AGGAGA[3] (p.Glu774_Arg775insLysGlu)

Gene: CACNA1C (calcium voltage-gated channel subunit alpha1 C; plus strand). Cytogenetic location: 12p13.33.
Variant type: Microsatellite.
Coding change: c.2312AGGAGA[3] on transcript NM_000719.7 (MANE Select); three copies in a row of the 6-base unit AGGAGA starting at c.2312; the reference has two copies in a row; one copy, 6 bases duplicated.
Protein change: p.Glu774_Arg775insLysGlu.
Molecular consequence: inframe insertion.
Genome position (GRCh38, 1-based): chr12:2,584,596-2,584,601, AGGAGA duplicated; duplicating any 6 consecutive bases within chr12:2,584,590-2,584,601 gives the same sequence; the position shown is the placement nearest the transcript's 3' end. VCF-style (leftmost placement, unchanged base first): chr12-2584589-G-GAGGAGA. GRCh37 (hg19) VCF-style: chr12-2693755-G-GAGGAGA.
Other names: c.2312AGGAGA[3], p.Glu774_Arg775insLysGlu (NM_001129827.2, NM_001129829.2, NM_001129830.3 and 18 more transcripts); c.2303AGGAGA[3], p.Glu771_Arg772insLysGlu (NM_001129844.2).
Identifiers: ClinVar variation 2090121 (VCV002090121.4), dbSNP rs2515288591, ClinGen allele CA2580615114.